The following is an entry in ClinVar:

NM_016216.4(DBR1):c.1031C>T (p.Thr344Ile)

Gene: DBR1 (debranching RNA lariats 1; minus strand). Cytogenetic location: 3q22.3.
Variant type: single nucleotide variant.
Coding change: c.1031C>T on transcript NM_016216.4 (MANE Select); coding-DNA position 1031, C replaced by T.
Protein change: p.Thr344Ile; replaces threonine 344 with isoleucine.
Molecular consequence: missense variant.
Genome position (GRCh38, 1-based): chr3:138,162,493, G>A on the plus strand (C>T on the coding strand, the complement: DBR1 is on the minus strand). VCF-style: chr3-138162493-G-A. GRCh37 (hg19) VCF-style: chr3-137881335-G-A.
Other names: c.1031C>T (NM_016216.3); short protein forms T344I.
Identifiers: ClinVar variation 1970947 (VCV001970947.3), dbSNP rs200570232, ClinGen allele CA2635729.

ClinVar aggregate classification (germline): Uncertain significance. Review status: criteria provided, multiple submitters, no conflicts (2 of 4 stars). 2 submissions from 2 submitters: Uncertain significance (2). Last evaluated 2024-05-21.

Conditions:
Inborn genetic diseases. Identifiers: MedGen C0950123, MeSH D030342.

Allele frequency attached by ClinVar (database versions not stated): ExAC 0.00002; gnomAD exomes 0.00002; TOPMed 0.00005; ESP Exome Variant Server 0.00008; gnomAD 0.00010.
gnomAD v4.1: 50 of 1,613,946 alleles (0.0031%); highest among the groups gnomAD compares: Non-Finnish European, 0.0041%; no homozygotes.

Submissions (2):

Ambry Genetics
Classification: Uncertain significance for Inborn genetic diseases. Last evaluated: 2024-05-21. Review status: criteria provided, single submitter. Criteria: Ambry Variant Classification Scheme 2023. Collection method: clinical testing. Allele origin: germline.

Labcorp Genetics (formerly Invitae), Labcorp
Classification: Uncertain significance. Last evaluated: 2022-07-21. Review status: criteria provided, single submitter. Criteria: Invitae Variant Classification Sherloc (09022015). Collection method: clinical testing. Allele origin: germline.
Comment: This sequence change replaces threonine, which is neutral and polar, with isoleucine, which is neutral and non-polar, at codon 344 of the DBR1 protein (p.Thr344Ile). This variant is present in population databases (rs200570232, gnomAD 0.01%). This variant has not been reported in the literature in individuals affected with DBR1-related conditions. Algorithms developed to predict the effect of missense changes on protein structure and function are either unavailable or do not agree on the potential impact of this missense change (SIFT: "Deleterious"; PolyPhen-2: "Possibly Damaging"; Align-GVGD: "Class C15"). In summary, the available evidence is currently insufficient to determine the role of this variant in disease. Therefore, it has been classified as a Variant of Uncertain Significance.